The following is an entry in ClinVar:

NM_014727.3(KMT2B):c.5503C>T (p.His1835Tyr)

Gene: KMT2B (lysine methyltransferase 2B; plus strand). Cytogenetic location: 19q13.12.
Variant type: single nucleotide variant.
Coding change: c.5503C>T on transcript NM_014727.3 (MANE Select); coding-DNA position 5503, C replaced by T.
Protein change: p.His1835Tyr; replaces histidine 1835 with tyrosine.
Molecular consequence: missense variant.
Genome position (GRCh38, 1-based): chr19:35,731,973, C>T. VCF-style: chr19-35731973-C-T. GRCh37 (hg19) VCF-style: chr19-36222874-C-T.
Other names: short protein forms H1835Y.
Identifiers: ClinVar variation 2633933 (VCV002633933.1), dbSNP rs1969713728, ClinGen allele CA405422146.
Genomic context (GRCh38, chr19:35,731,973, plus strand): 5'-CCAGGTGGTGAGGACCCCCCACTGGACACAGATGTTCTTGTCCCTGGAGCTCCTGAGCGC[C>T]ACTCGCCCATTCAGAACCTGGACCCTCCACTGCGGCCAGATTCAGGCAGCGCCCCTCCTC-3'
Protein context (NP_055542.1, residues 1825-1845): DVLVPGAPER[His1835Tyr]SPIQNLDPPL

ClinVar aggregate classification (germline): Uncertain significance (1 of 4 stars; one submission).

Conditions:
KMT2B-related disorder. Also called: KMT2B-related condition; KMT2B-related disorders. Identifiers: MedGen CN381338.

Submission:

PreventionGenetics, part of Exact Sciences
Classification: Uncertain significance for KMT2B-related condition. Last evaluated: 2023-09-26. Review status: criteria provided, single submitter. Criteria: ACMG Guidelines, 2015. Collection method: clinical testing. Allele origin: germline.
Comment: The KMT2B c.5503C>T variant is predicted to result in the amino acid substitution p.His1835Tyr. To our knowledge, this variant has not been reported in the literature or in a large population database, indicating this variant is rare. At this time, the clinical significance of this variant is uncertain due to the absence of conclusive functional and genetic evidence.